The following is an entry in ClinVar:

NM_002700.3(POU4F3):c.282del (p.Val95fs)

Genes: POU4F3 (POU class 4 homeobox 3; plus strand), RBM27-POU4F3 (RBM27-POU4F3 readthrough; plus strand). Cytogenetic location: 5q32.
Variant type: Deletion.
Coding change: c.282del on transcript NM_002700.3 (MANE Select); coding-DNA position 282, one base deleted (C; older notation c.282delC).
Protein change: p.Val95fs; shifts the reading frame from valine 95.
Molecular consequence: frameshift variant. On other transcripts: 3 prime UTR variant (1).
Genome position (GRCh38, 1-based): chr5:146,339,709, C deleted; the last of 2 consecutive C bases (chr5:146,339,708-146,339,709); deleting either gives the same sequence. VCF-style (leftmost placement, unchanged base first): chr5-146339707-AC-A. GRCh37 (hg19) VCF-style: chr5-145719270-AC-A.
Other names: c.*151del (NM_001414499.1); c.282delC (NM_002700.2); short protein forms V95fs.
Identifiers: ClinVar variation 4282444 (VCV004282444.3).
Genomic context (GRCh38, chr5:146,339,707, plus strand): 5'-TTCAAGCCCGACGCCACCTACCATACCATGAGCAGCGTGCCCTGCACGTCCACTTCGTCC[AC>A]CGTGCCCATCTCCCACCCAGCTGCGCTCACCTCACACCCTCACCACGCCGTGCACCAGGG-3'

ClinVar aggregate classification (germline): Likely pathogenic. Review status: criteria provided, multiple submitters, no conflicts (2 of 4 stars). 2 submissions from 2 submitters: Likely pathogenic (2). Last evaluated 2025-12-23.

Conditions:
POU4F3-related disorder. Also called: POU4F3-related condition.

Submissions (2):

GeneDx
Classification: Likely pathogenic. Last evaluated: 2025-12-23. Review status: criteria provided, single submitter. Criteria: GeneDx Variant Classification Process June 2021. Collection method: clinical testing. Allele origin: germline.
Comment: Not observed at significant frequency in large population cohorts (gnomAD); Frameshift variant predicted to result in abnormal protein length as the last 244 amino acid(s) are replaced with 32 different amino acid(s), and other similar variants have been reported in HGMD; This variant is associated with the following publications: (PMID: 34599366)

PreventionGenetics, part of Exact Sciences
Classification: Likely pathogenic for POU4F3-related condition. Last evaluated: 2024-12-05. Review status: criteria provided, single submitter. Criteria: ACMG Guidelines, 2015. Collection method: clinical testing. Allele origin: germline.
Comment: The POU4F3 c.282delC variant is predicted to result in a frameshift and premature protein termination (p.Val95Cysfs*33). To our knowledge, this variant has not been reported in the literature or in a large population database (gnomAD), indicating this variant is rare. Frameshift variants in POU4F3 are expected to be pathogenic. This variant is interpreted as likely pathogenic.